The following is an entry in ClinVar:

ClinVar aggregate classification (germline): Uncertain significance. Review status: criteria provided, multiple submitters, no conflicts (2 of 4 stars). 3 submissions from 3 submitters: Uncertain significance (3). Last evaluated 2025-06-06.

Conditions:
Inborn genetic diseases. Identifiers: MedGen C0950123, MeSH D030342.

Submissions (3):

Labcorp Genetics (formerly Invitae), Labcorp
Classification: Uncertain significance. Last evaluated: 2025-06-06. Review status: criteria provided, single submitter. Criteria: Invitae Variant Classification Sherloc (09022015). Collection method: clinical testing. Allele origin: germline.
Comment: This sequence change replaces glutamine, which is neutral and polar, with lysine, which is basic and polar, at codon 811 of the SAMD9 protein (p.Gln811Lys). This variant is not present in population databases (gnomAD no frequency). This variant has not been reported in the literature in individuals affected with SAMD9-related conditions. ClinVar contains an entry for this variant (Variation ID: 3340675). Invitae Evidence Modeling of protein sequence and biophysical properties (such as structural, functional, and spatial information, amino acid conservation, physicochemical variation, residue mobility, and thermodynamic stability) indicates that this missense variant is not expected to disrupt SAMD9 protein function with a negative predictive value of 95%. In summary, the available evidence is currently insufficient to determine the role of this variant in disease. Therefore, it has been classified as a Variant of Uncertain Significance.

Ambry Genetics
Classification: Uncertain significance for Inborn genetic diseases. Last evaluated: 2024-11-26. Review status: criteria provided, single submitter. Criteria: Ambry Variant Classification Scheme 2023. Collection method: clinical testing. Allele origin: germline.
Comment: The p.Q811K variant (also known as c.2431C>A), located in coding exon 1 of the SAMD9 gene, results from a C to A substitution at nucleotide position 2431. The glutamine at codon 811 is replaced by lysine, an amino acid with similar properties. This amino acid position is conserved. In addition, this alteration is predicted to be tolerated by in silico analysis. Based on the available evidence, the clinical significance of this variant remains unclear.

GeneDx
Classification: Uncertain significance. Last evaluated: 2023-11-06. Review status: criteria provided, single submitter. Criteria: GeneDx Variant Classification Process June 2021. Collection method: clinical testing. Allele origin: germline. Affected: yes.
Comment: Not observed at significant frequency in large population cohorts (gnomAD); In silico analysis supports that this missense variant does not alter protein structure/function; Has not been previously published as pathogenic or benign to our knowledge; This variant is associated with the following publications: (PMID: 28545555)

NM_017654.4(SAMD9):c.2431C>A (p.Gln811Lys)

Gene: SAMD9 (sterile alpha motif domain containing 9; minus strand). Cytogenetic location: 7q21.2.
Variant type: single nucleotide variant.
Coding change: c.2431C>A on transcript NM_017654.4 (MANE Select); coding-DNA position 2431, C replaced by A.
Protein change: p.Gln811Lys; replaces glutamine 811 with lysine.
Molecular consequence: missense variant.
Genome position (GRCh38, 1-based): chr7:93,103,667, G>T on the plus strand (C>A on the coding strand, the complement: SAMD9 is on the minus strand). VCF-style: chr7-93103667-G-T. GRCh37 (hg19) VCF-style: chr7-92732980-G-T.
Other names: c.2431C>A, p.Gln811Lys (NM_001193307.2); short protein forms Q811K.
Identifiers: ClinVar variation 3340675 (VCV003340675.4).